The following is an entry in ClinVar:

ClinVar aggregate classification (germline): Conflicting classifications of pathogenicity. Review status: criteria provided, conflicting classifications (1 of 4 stars). 9 submissions from 9 submitters: Uncertain significance (6); Likely benign (1). 2 of the submissions do not count toward it. Last evaluated 2025-12-29.

Conditions:
Cardiovascular phenotype. Identifiers: MedGen CN230736.
Cardiomyopathy (CMYO). Also called: Cardiomyopathies. Identifiers: Orphanet 167848, MedGen C0878544, MONDO:0004994, HP:0001638. Inheritance: Various modes of inheritance.
Hypertrophic cardiomyopathy 4. Also called: Familial hypertrophic cardiomyopathy 4. Identifiers: MedGen C1861862, MONDO:0007268, OMIM 115197.
Hypertrophic cardiomyopathy. Also called: HYPERTROPHIC MYOCARDIOPATHY. Identifiers: Orphanet 217569, MedGen C0007194, MeSH D002312, MONDO:0005045, HP:0001639.

Allele frequency attached by ClinVar (database versions not stated): ExAC 0.00004; TOPMed 0.00002.
gnomAD v4.1: 25 of 1,597,374 alleles (0.0016%); highest among the groups gnomAD compares: Middle Eastern, 0.016%; no homozygotes.

Submissions (9):

Labcorp Genetics (formerly Invitae), Labcorp
Classification: Likely benign for Hypertrophic cardiomyopathy. Last evaluated: 2025-12-29. Review status: criteria provided, single submitter. Criteria: Invitae Variant Classification Sherloc (09022015). Collection method: clinical testing. Allele origin: germline.

Dasa
Classification: Uncertain significance. Last evaluated: 2025-09-19. Review status: criteria provided, single submitter. Criteria: DASA Assertion Criteria. Collection method: clinical testing. Allele origin: germline.
Comment: NM_000256.3(MYBPC3):c.194C>T (p.Thr65Met) is a missense variant that results in the substitution of threonine with methionine. This variant has been reported in individuals with MYBPC3-related disorders. Also, this variant is rare in population databases. The currently available literature and clinical evidence are not sufficient to establish a definitive association between this variant and the reported condition. Therefore, this variant is classified as a variant of uncertain significance.

Ambry Genetics
Classification: Uncertain significance for Cardiovascular phenotype. Last evaluated: 2025-07-29. Review status: criteria provided, single submitter. Criteria: Ambry Variant Classification Scheme 2023. Collection method: clinical testing. Allele origin: germline.
Comment: The p.T65M variant (also known as c.194C>T), located in coding exon 2 of the MYBPC3 gene, results from a C to T substitution at nucleotide position 194. The threonine at codon 65 is replaced by methionine, an amino acid with similar properties. This variant was reported in individual(s) with features consistent with hypertrophic cardiomyopathy (van Lint FHM et al. Neth Heart J, 2019 Jun;27:304-309; Magr&igrave; D et al. J Clin Med, 2020 May;9). This variant was also reported in an individual with dilated cardiomyopathy who was also found to have mucopolysaccharidosis (Herkert JC et al. Genet Med, 2018 Nov;20:1374-1386). This amino acid position is not well conserved in available vertebrate species. In addition, this alteration is predicted to be tolerated by in silico analysis. Based on the available evidence, the clinical significance of this variant remains unclear.

Molecular Diagnostic Laboratory for Inherited Cardiovascular Disease, Montreal Heart Institute
Classification: Uncertain significance for Cardiovascular phenotype. Last evaluated: 2025-04-09. Review status: criteria provided, single submitter. Criteria: ACMG Guidelines, 2015. Collection method: clinical testing. Allele origin: germline. Affected: yes.

All of Us Research Program, National Institutes of Health
Classification: Uncertain significance for Hypertrophic cardiomyopathy. Last evaluated: 2024-07-20. Review status: criteria provided, single submitter. Criteria: ACMG Guidelines, 2015. Collection method: clinical testing. Allele origin: germline. Inheritance: Autosomal dominant inheritance. Observed: 5 variant alleles, 5 heterozygotes.
Comment: This missense variant replaces threonine with methionine at codon 65 of the MYBPC3 protein. Computational prediction suggests that this variant may not impact protein structure and function (internally defined REVEL score threshold <= 0.5, PMID: 27666373). To our knowledge, functional studies have not been reported for this variant. This variant has been reported in two unrelated individuals affected with hypertrophic cardiomyopathy (PMID: 30847666, 32481709) and in an individual affected with dilated cardiomyopathy (PMID: 29517769). This variant has not been identified in the general population by the Genome Aggregation Database (gnomAD). The available evidence is insufficient to determine the role of this variant in disease conclusively. Therefore, this variant is classified as a Variant of Uncertain Significance.

This study involves interpretation of variants in research participants for the purpose of population health screening. Participant phenotype was not available at the time of variant classification. Additional details can be found in publication PMID: 35346344, PMCID: PMC8962531

Color Diagnostics, LLC DBA Color Health
Classification: Uncertain significance for Cardiomyopathy. Last evaluated: 2024-07-10. Review status: criteria provided, single submitter. Criteria: ACMG Guidelines, 2015. Collection method: clinical testing. Allele origin: germline.
Comment: This missense variant replaces threonine with methionine at codon 65 of the MYBPC3 protein. Computational prediction tools indicate that this variant has a neutral impact on protein structure and function. To our knowledge, functional studies have not been reported for this variant. This variant has been reported in two unrelated individuals affected with hypertrophic cardiomyopathy (PMID: 30847666, 32481709) and in an individual affected with dilated cardiomyopathy (PMID: 29517769). This variant has not been identified in the general population by the Genome Aggregation Database (gnomAD). The available evidence is insufficient to determine the role of this variant in disease conclusively. Therefore, this variant is classified as a Variant of Uncertain Significance.

Women's Health and Genetics/Laboratory Corporation of America, LabCorp
Classification: Uncertain significance. Last evaluated: 2023-02-06. Review status: criteria provided, single submitter. Criteria: LabCorp Variant Classification Summary - May 2015. Collection method: clinical testing. Allele origin: germline.
Comment: Variant summary: MYBPC3 c.194C>T (p.Thr65Met) results in a non-conservative amino acid change located in the immunoglobulin subtype 2 domain (IPR003598) of the encoded protein sequence. Four of five in-silico tools predict a damaging effect of the variant on protein function. The variant allele was found at a frequency of 4.5e-06 in 221460 control chromosomes (gnomAD). The available data on variant occurrences in the general population are insufficient to allow any conclusion about variant significance. c.194C>T has been reported in the literature as a VUS in settings of multigene panel testing and WES in at least two individuals affected with Hypertrophic Cardiomyopathy and in one with Dilated Cardiomyopathy (Herkert_2018, van Lint_2019, Margri_2020). These reports do not provide unequivocal conclusions about association of the variant with Cardiomyopathy. To our knowledge, no experimental evidence demonstrating an impact on protein function has been reported. Two clinical diagnostic laboratories have submitted clinical-significance assessments for this variant to ClinVar after 2014. One laboratory classified the variant as likely benign, and the other laboratory classified the variant as uncertain significance. Based on the evidence outlined above, the variant was classified as uncertain significance.

Clinical Genetics, Academic Medical Center
Classification: Uncertain significance. Review status: no assertion criteria provided. Collection method: clinical testing. Allele origin: germline. Affected: yes. Study: VKGL Data-share Consensus. Not counted in ClinVar's aggregate classification.

Diagnostic Laboratory, Department of Genetics, University Medical Center Groningen
Classification: Uncertain significance for Hypertrophic cardiomyopathy 4. Review status: no assertion criteria provided. Collection method: clinical testing. Allele origin: germline. Affected: yes. Study: VKGL Data-share Consensus. Not counted in ClinVar's aggregate classification.

Literature cited by the submitters: PubMed 29517769 (cited by 4 submitters); PubMed 30847666 (cited by 4 submitters); PubMed 32481709 (cited by 4 submitters); PubMed 34097875 (cited by Women's Health and Genetics/Laboratory Corporation of America, LabCorp).

NM_000256.3(MYBPC3):c.194C>T (p.Thr65Met)

Gene: MYBPC3 (myosin binding protein C3; minus strand). Cytogenetic location: 11p11.2.
Variant type: single nucleotide variant.
Coding change: c.194C>T on transcript NM_000256.3 (MANE Select); coding-DNA position 194, C replaced by T.
Protein change: p.Thr65Met; replaces threonine 65 with methionine.
Molecular consequence: missense variant.
Genome position (GRCh38, 1-based): chr11:47,351,337, G>A on the plus strand (C>T on the coding strand, the complement: MYBPC3 is on the minus strand). VCF-style: chr11-47351337-G-A. GRCh37 (hg19) VCF-style: chr11-47372888-G-A.
Other names: c.194C>T, p.Thr65Met (LRG_386t1); short protein forms T65M.
Identifiers: ClinVar variation 407324 (VCV000407324.21), dbSNP rs753300898, ClinGen allele CA047700.
Genomic context (GRCh38, chr11:47,351,337, plus strand): 5'-GAGCCAGCAATGACTGCGTAAGATCCCTGGTCGGCAGGGCCCACTTCCCGCACTGTCAGC[G>A]TATGCCGTGTGCCCTCTGTGGCCAGGCCGTACTTGTTGCTGGCGCTGATGTCACTGCCTC-3'
Protein context (NP_000247.2, residues 55-75): YGLATEGTRH[Thr65Met]LTVREVGPAD